The following is an entry in ClinVar:

NM_000051.4(ATM):c.6776_6777del (p.Ser2259fs)

Genes: ATM (ATM serine/threonine kinase; plus strand), C11orf65 (chromosome 11 open reading frame 65; minus strand). Cytogenetic location: 11q22.3.
Variant type: Microsatellite.
Coding change: c.6776_6777del on transcript NM_000051.4 (MANE Select); coding-DNA positions 6776 to 6777, 2 bases deleted (CT; older notation c.6776_6777delCT).
Protein change: p.Ser2259fs; shifts the reading frame from serine 2259.
Molecular consequence: frameshift variant. On other transcripts: intron variant (2).
Genome position (GRCh38, 1-based): chr11:108,325,513-108,325,514, CT deleted; deleting any 2 consecutive bases within chr11:108,325,509-108,325,514 gives the same sequence; the c. name uses the placement nearest the transcript's 3' end. VCF-style (leftmost placement, unchanged base first): chr11-108325508-ACT-A. GRCh37 (hg19) VCF-style: chr11-108196235-ACT-A.
Other names: c.6776_6777del (NM_000051.3); c.6776_6777delCT (NM_000051.3, NM_000051.4); c.6776_6777del, p.Ser2259fs (NM_001351834.2); c.641-16443AG[2] (NM_001330368.2); c.*38+9706AG[2] (NM_001351110.2); short protein forms S2259fs.
Identifiers: ClinVar variation 429072 (VCV000429072.17), dbSNP rs1131691156, ClinGen allele CA645369501.
Genomic context (GRCh38, chr11:108,325,508, plus strand): 5'-GGAAATGGACAACTCACAAAGAGAATGTATTAAGGACATTCTCACCAAACACCTTGTAGA[ACT>A]CTCTATACTGGCCAGAACTTTCAAGAACACTCAGGTAAATACAATTTAAAACTATGTCAT-3'

ClinVar aggregate classification (germline): Pathogenic/Likely pathogenic. Review status: criteria provided, multiple submitters, no conflicts (2 of 4 stars). 5 submissions from 5 submitters: Pathogenic (4); Likely pathogenic (1). Last evaluated 2025-11-04.

Conditions:
Hereditary cancer-predisposing syndrome. Also called: Neoplastic Syndromes, Hereditary; Hereditary Cancer Syndrome; Tumor predisposition; Hereditary neoplastic syndrome. Identifiers: Orphanet 140162, MedGen C0027672, MeSH D009386, MONDO:0015356.
Familial cancer of breast. Also called: Hereditary breast cancer; BREAST CANCER, FAMILIAL; hereditary breast carcinoma. Identifiers: Orphanet 227535, MedGen C0346153, MONDO:0016419, OMIM 114480. Disease mechanism: loss of function.
Ataxia-telangiectasia syndrome (AT). Also called: LOUIS-BAR SYNDROME; Cerebello-oculocutaneous telangiectasia; Immunodeficiency with ataxia telangiectasia; Ataxia-telangiectasia, complementation group D; AT, COMPLEMENTATION GROUP C; Ataxia-telangiectasia, complementation group E. Identifiers: Orphanet 100, MedGen C0004135, MONDO:0008840, OMIM 208900.
Malignant tumor of breast. Also called: Malignant breast neoplasm; Cancer breast. Identifiers: MedGen C0006142, MONDO:0007254. Disease mechanism: loss of function.

Submissions (5):

Women's Health and Genetics/Laboratory Corporation of America, LabCorp
Classification: Pathogenic for Malignant tumor of breast. Last evaluated: 2025-11-04. Review status: criteria provided, single submitter. Criteria: LabCorp Variant Classification Summary - May 2015. Collection method: clinical testing. Allele origin: germline.
Comment: Variant summary: ATM c.6776_6777delCT (p.Ser2259TyrfsX13) results in a premature termination codon, predicted to cause a truncation of the encoded protein or absence of the protein due to nonsense mediated decay, which are commonly known mechanisms for disease. The variant was absent in 249706 control chromosomes. c.6776_6777delCT has been observed in an individual affected with Ataxia Telangiectasia (A-T) without Cancer (Magnarelli_2025); however, the second allele variant was not identified in this individual. These report(s) do not provide unequivocal conclusions about association of the variant with Breast Cancer. To our knowledge, no experimental evidence demonstrating an impact on protein function has been reported. The following publication have been ascertained in the context of this evaluation (PMID: 39521281). ClinVar contains an entry for this variant (Variation ID: 429072). Based on the evidence outlined above, the variant was classified as pathogenic.

Ambry Genetics
Classification: Pathogenic for Hereditary cancer-predisposing syndrome. Last evaluated: 2024-04-04. Review status: criteria provided, single submitter. Criteria: Ambry Variant Classification Scheme 2023. Collection method: clinical testing. Allele origin: germline.
Comment: The c.6776_6777delCT pathogenic mutation, located in coding exon 45 of the ATM gene, results from a deletion of two nucleotides at nucleotide positions 6776 to 6777, causing a translational frameshift with a predicted alternate stop codon (p.S2259Yfs*13). This variant is considered to be rare based on population cohorts in the Genome Aggregation Database (gnomAD). This alteration is expected to result in loss of function by premature protein truncation or nonsense-mediated mRNA decay. As such, this alteration is interpreted as a disease-causing mutation.

Fulgent Genetics
Classification: Likely pathogenic for Familial cancer of breast; Ataxia-telangiectasia syndrome. Last evaluated: 2024-02-02. Review status: criteria provided, single submitter. Criteria: ACMG Guidelines, 2015. Collection method: clinical testing. Allele origin: germline.

Myriad Genetics, Inc.
Classification: Pathogenic for Familial cancer of breast. Last evaluated: 2024-01-30. Review status: criteria provided, single submitter. Criteria: Myriad Autosomal Dominant, Autosomal Recessive and X-Linked Classification Criteria (2023). Collection method: clinical testing. Allele origin: unknown.
Comment: This variant is considered pathogenic. This variant creates a frameshift predicted to result in premature protein truncation.

Labcorp Genetics (formerly Invitae), Labcorp
Classification: Pathogenic for Ataxia-telangiectasia syndrome. Last evaluated: 2024-01-19. Review status: criteria provided, single submitter. Criteria: Invitae Variant Classification Sherloc (09022015). Collection method: clinical testing. Allele origin: germline.
Comment: This sequence change creates a premature translational stop signal (p.Ser2259Tyrfs*13) in the ATM gene. It is expected to result in an absent or disrupted protein product. Loss-of-function variants in ATM are known to be pathogenic (PMID: 23807571, 25614872). This variant is not present in population databases (gnomAD no frequency). This variant has not been reported in the literature in individuals affected with ATM-related conditions. ClinVar contains an entry for this variant (Variation ID: 429072). For these reasons, this variant has been classified as Pathogenic.

Literature cited by the submitters: PubMed 39521281 (cited by Women's Health and Genetics/Laboratory Corporation of America, LabCorp); PubMed 23807571 (cited by Labcorp Genetics (formerly Invitae), Labcorp); PubMed 25614872 (cited by Labcorp Genetics (formerly Invitae), Labcorp).